The following is an entry in ClinVar:

ClinVar aggregate classification (germline): Benign. Review status: criteria provided, multiple submitters, no conflicts (2 of 4 stars). 2 submissions from 2 submitters: Benign (2). Last evaluated 2018-01-12.

Conditions:
Charcot-Marie-Tooth disease type 4H (CMT4H). Also called: CHARCOT-MARIE-TOOTH DISEASE, AUTOSOMAL RECESSIVE, TYPE 4H; CHARCOT-MARIE-TOOTH DISEASE, DEMYELINATING, AUTOSOMAL RECESSIVE, TYPE 4H; CHARCOT-MARIE-TOOTH NEUROPATHY, TYPE 4H; CHARCOT-MARIE-TOOTH DISEASE, DEMYELINATING, TYPE 4H. Identifiers: Orphanet 99954, MedGen C1836336, MONDO:0012250, OMIM 609311.

Allele frequency attached by ClinVar (database versions not stated): 1000 Genomes Project 0.49661; gnomAD 0.51218 and 0.51721; 1000 Genomes Project 30x 0.51249; TOPMed 0.52869.

Submissions (2):

Illumina Laboratory Services, Illumina
Classification: Benign for Charcot-Marie-Tooth disease type 4H. Last evaluated: 2018-01-12. Review status: criteria provided, single submitter. Criteria: ICSL Variant Classification Criteria 13 December 2019. Collection method: clinical testing. Allele origin: germline.
Comment: This variant was observed in the ICSL laboratory as part of a predisposition screen in an ostensibly healthy population. It had not been previously curated by ICSL or reported in the Human Gene Mutation Database (HGMD: prior to June 1st, 2018), and was therefore a candidate for classification through an automated scoring system. Utilizing variant allele frequency, disease prevalence and penetrance estimates, and inheritance mode, an automated score was calculated to assess if this variant is too frequent to cause the disease. Based on the score and internal cut-off values, a variant classified as benign is not then subjected to further curation. The score for this variant resulted in a classification of benign for this disease.

Breakthrough Genomics
Classification: Benign. Review status: criteria provided, single submitter. Criteria: ACMG Guidelines, 2015. Collection method: not provided. Allele origin: germline. Inheritance: Autosomal recessive inheritance. Affected: yes.

NM_001370298.3(FGD4):c.*4438A>G

Gene: FGD4 (FYVE, RhoGEF and PH domain containing 4; plus strand). Cytogenetic location: 12p11.21.
Variant type: single nucleotide variant.
Coding change: c.*4438A>G on transcript NM_001370298.3 (MANE Select); 4438 bases downstream of the stop codon, A replaced by G.
Molecular consequence: 3 prime UTR variant.
Genome position (GRCh38, 1-based): chr12:32,644,971, A>G. VCF-style: chr12-32644971-A-G. GRCh37 (hg19) VCF-style: chr12-32797905-A-G.
Other names: c.*4438A>G (NM_001304481.2, NM_001304484.2, NM_001330373.2 and 5 more transcripts); c.*346A>G (NM_001384126.1, NM_001384127.1, NM_001384128.1).
Identifiers: ClinVar variation 308361 (VCV000308361.6), dbSNP rs11052124, ClinGen allele CA10640951.